The following is an entry in ClinVar:

NM_001388308.1(KIF12):c.1103G>A (p.Arg368Gln)

Gene: KIF12 (kinesin family member 12; minus strand). Cytogenetic location: 9q32.
Variant type: single nucleotide variant.
Coding change: c.1103G>A on transcript NM_001388308.1 (MANE Select); coding-DNA position 1103, G replaced by A.
Protein change: p.Arg368Gln; replaces arginine 368 with glutamine.
Molecular consequence: missense variant.
Genome position (GRCh38, 1-based): chr9:114,095,039, C>T on the plus strand (G>A on the coding strand, the complement: KIF12 is on the minus strand). VCF-style: chr9-114095039-C-T. GRCh37 (hg19) VCF-style: chr9-116857319-C-T.
Other names: c.689G>A, p.Arg230Gln (NM_138424.2); short protein forms R230Q, R368Q.
Identifiers: ClinVar variation 4279710 (VCV004279710.1).

ClinVar aggregate classification (germline): Likely pathogenic (0 of 4 stars; one submission).

Conditions:
Cholestasis, progressive familial intrahepatic, 8. Identifiers: MedGen C5562045, MONDO:0030505, OMIM 619662.

gnomAD v4.1: 42 of 1,599,630 alleles (0.0026%); highest among the groups gnomAD compares: South Asian, 0.041%; no homozygotes.

Submission:

Progenics Laboratories
Classification: Likely pathogenic for Cholestasis, progressive familial intrahepatic, 8. Last evaluated: 2025-09-22. Review status: no assertion criteria provided. Collection method: clinical testing. Allele origin: biparental. Inheritance: Autosomal recessive inheritance. Affected: yes. Observed: 1 homozygote.
Comment: Hence, Arg230Gln variant has been reclassified as Likely Pathogenic.